The following is an entry in ClinVar:

ClinVar aggregate classification (germline): Benign. Review status: criteria provided, multiple submitters, no conflicts (2 of 4 stars). 5 submissions from 4 submitters: Benign (5). Last evaluated 2026-01-20.

Conditions:
Basal cell nevus syndrome 1 (BCNS1). Also called: GORLIN-GOLTZ SYNDROME; MULTIPLE BASAL CELL NEVI, ODONTOGENIC KERATOCYSTS, AND SKELETAL ANOMALIES. Identifiers: MedGen CN376810, MONDO:0958174, OMIM 109400.
Basal cell carcinoma, susceptibility to, 1. Also called: BCC1. Identifiers: MedGen C2751544, MONDO:0011556, OMIM 605462.
Gorlin syndrome. Also called: Nevoid Basal Cell Carcinoma Syndrome; Basal cell nevus syndrome. Identifiers: Orphanet 377, MedGen C0004779, MONDO:0007187.

Allele frequency attached by ClinVar (database versions not stated): TOPMed 0.00002; gnomAD 0.00003; gnomAD exomes 0.00066 and 0.00168; 1000 Genomes Project 30x 0.00328; 1000 Genomes Project 0.00359; ExAC 0.00412.
gnomAD v4.1: 1,015 of 1,550,594 alleles (0.065%); highest among the groups gnomAD compares: South Asian, 1.1%; 17 homozygotes.

Submissions (5):

Labcorp Genetics (formerly Invitae), Labcorp
Classification: Benign for Gorlin syndrome. Last evaluated: 2026-01-20. Review status: criteria provided, single submitter. Criteria: Invitae Variant Classification Sherloc (09022015). Collection method: clinical testing. Allele origin: germline.

CeGaT Center for Human Genetics Tuebingen
Classification: Benign. Last evaluated: 2025-02-01. Review status: criteria provided, single submitter. Criteria: CeGaT Center For Human Genetics Tuebingen Variant Classification Criteria Version 2. Collection method: clinical testing. Allele origin: germline. Affected: yes. Observed: 1 variant allele.
Comment: PTCH2: BS1, BS2

KCCC/NGS Laboratory, Kuwait Cancer Control Center
Classification: Benign for Basal cell nevus syndrome 1. Last evaluated: 2025-02-01. Review status: criteria provided, single submitter. Criteria: ACMG Guidelines, 2015. Collection method: clinical testing. Allele origin: germline. Affected: no.

KCCC/NGS Laboratory, Kuwait Cancer Control Center
Classification: Benign for Basal cell carcinoma, susceptibility to, 1. Last evaluated: 2023-07-07. Review status: criteria provided, single submitter. Criteria: ACMG Guidelines, 2015. Collection method: clinical testing. Allele origin: germline. Affected: yes.

Breakthrough Genomics
Classification: Benign. Review status: criteria provided, single submitter. Criteria: ACMG Guidelines, 2015. Collection method: not provided. Allele origin: germline. Inheritance: Autosomal recessive inheritance. Affected: yes.

NM_003738.5(PTCH2):c.44C>T (p.Thr15Ile)

Gene: PTCH2 (patched 2; minus strand). Cytogenetic location: 1p34.1.
Variant type: single nucleotide variant.
Coding change: c.44C>T on transcript NM_003738.5 (MANE Select); coding-DNA position 44, C replaced by T.
Protein change: p.Thr15Ile; replaces threonine 15 with isoleucine.
Molecular consequence: missense variant.
Genome position (GRCh38, 1-based): chr1:44,842,889, G>A on the plus strand (C>T on the coding strand, the complement: PTCH2 is on the minus strand). VCF-style: chr1-44842889-G-A. GRCh37 (hg19) VCF-style: chr1-45308561-G-A.
Other names: c.44C>T, p.Thr15Ile (NM_001166292.2); short protein forms T15I.
Identifiers: ClinVar variation 239561 (VCV000239561.28), dbSNP rs561781541, ClinGen allele CA823755.